The following is an entry in ClinVar:

ClinVar aggregate classification (germline): Uncertain significance (1 of 4 stars; one submission).

Conditions:
Gorlin syndrome. Also called: Nevoid Basal Cell Carcinoma Syndrome; Basal cell nevus syndrome. Identifiers: Orphanet 377, MedGen C0004779, MONDO:0007187.

Submission:

Labcorp Genetics (formerly Invitae), Labcorp
Classification: Uncertain significance for Gorlin syndrome. Last evaluated: 2018-06-06. Review status: criteria provided, single submitter. Criteria: Invitae Variant Classification Sherloc (09022015). Collection method: clinical testing. Allele origin: germline.
Comment: This variant is a gross deletion of the genomic region encompassing exons 19-22 and part of exon 23 (c.3168+763_4244del) of the PTCH1 gene. While this is not anticipated to result in nonsense mediated decay, it likely alters RNA splicing and results in a disrupted protein product. This particular variant has not been described in the literature; however, a smaller deletion of exons 19-22 has been reported in an individual affected with Gorlin syndrome (PMID: 22382802). In summary, the available evidence is currently insufficient to determine the role of this variant in disease. Therefore, it has been classified as a Variant of Uncertain Significance.

Literature cited by the submitters: PubMed 22382802.

NM_000264.3(PTCH1):c.3168+763_4244del

Gene: PTCH1 (patched 1; minus strand). Cytogenetic location: 9q22.32.
Variant type: Deletion.
Coding change: c.3168+763_4244del on transcript NM_000264.3; 763 bases into the intron after coding-DNA position 3168 through coding-DNA position 4244, this stretch deleted.
Other names: c.3168+763_4244del (LRG_515t1).
Identifiers: ClinVar variation 573590 (VCV000573590.1).